The following is an entry in ClinVar:

ClinVar aggregate classification (germline): Uncertain significance (1 of 4 stars; one submission).

Conditions:
Hereditary cancer-predisposing syndrome. Also called: Neoplastic Syndromes, Hereditary; Tumor predisposition; Hereditary neoplastic syndrome; Hereditary Cancer Syndrome. Identifiers: Orphanet 140162, MedGen C0027672, MeSH D009386, MONDO:0015356.

Submission:

Ambry Genetics
Classification: Uncertain significance for Hereditary cancer-predisposing syndrome. Last evaluated: 2026-07-06. Review status: criteria provided, single submitter. Criteria: Ambry Variant Classification Scheme 2023. Collection method: clinical testing. Allele origin: germline.
Comment: The p.E19D variant (also known as c.57G>T), located in coding exon 1 of the AXIN2 gene, results from a G to T substitution at nucleotide position 57. The glutamic acid at codon 19 is replaced by aspartic acid, an amino acid with highly similar properties. This amino acid position is conserved. In addition, the in silico prediction for this alteration is inconclusive. Based on the available evidence, the clinical significance of this variant remains unclear.

NM_004655.4(AXIN2):c.57G>T (p.Glu19Asp)

Gene: AXIN2 (axin 2; minus strand). Cytogenetic location: 17q24.1.
Variant type: single nucleotide variant.
Coding change: c.57G>T on transcript NM_004655.4 (MANE Select); coding-DNA position 57, G replaced by T.
Protein change: p.Glu19Asp; replaces glutamic acid 19 with aspartic acid.
Molecular consequence: missense variant.
Genome position (GRCh38, 1-based): chr17:65,558,564, C>A on the plus strand (G>T on the coding strand, the complement: AXIN2 is on the minus strand). VCF-style: chr17-65558564-C-A. GRCh37 (hg19) VCF-style: chr17-63554682-C-A.
Other names: c.57G>T, p.Glu19Asp (NM_001363813.1); short protein forms E19D.
Identifiers: ClinVar variation 5032546 (VCV005032546.1).